The following is an entry in ClinVar:

NM_016343.4(CENPF):c.1582G>A (p.Ala528Thr)

Gene: CENPF (centromere protein F; plus strand). Cytogenetic location: 1q41.
Variant type: single nucleotide variant.
Coding change: c.1582G>A on transcript NM_016343.4 (MANE Select); coding-DNA position 1582, G replaced by A.
Protein change: p.Ala528Thr; replaces alanine 528 with threonine.
Molecular consequence: missense variant.
Genome position (GRCh38, 1-based): chr1:214,638,001, G>A. VCF-style: chr1-214638001-G-A. GRCh37 (hg19) VCF-style: chr1-214811344-G-A.
Other names: short protein forms A528T.
Identifiers: ClinVar variation 3339776 (VCV003339776.1).

ClinVar aggregate classification (germline): Uncertain significance (1 of 4 stars; one submission).

gnomAD v4.1: 37 of 1,608,058 alleles (0.0023%); highest among the groups gnomAD compares: Non-Finnish European, 0.0031%; no homozygotes.

Submission:

Women's Health and Genetics/Laboratory Corporation of America, LabCorp
Classification: Uncertain significance. Last evaluated: 2024-06-26. Review status: criteria provided, single submitter. Criteria: LabCorp Variant Classification Summary - May 2015. Collection method: clinical testing. Allele origin: germline.
Comment: Variant summary: CENPF c.1582G>A (p.Ala528Thr) results in a non-conservative amino acid change in the encoded protein sequence. Three of five in-silico tools predict a damaging effect of the variant on protein function. The variant allele was found at a frequency of 8.2e-06 in 244884 control chromosomes. The available data on variant occurrences in the general population are insufficient to allow any conclusion about variant significance. To our knowledge, no occurrence of c.1582G>A in individuals affected with Stromme Syndrome and no experimental evidence demonstrating its impact on protein function have been reported. No submitters have cited clinical-significance assessments for this variant to ClinVar. Based on the evidence outlined above, the variant was classified as uncertain significance.